The following is an entry in ClinVar:

NM_000264.5(PTCH1):c.2930A>G (p.Tyr977Cys)

Gene: PTCH1 (patched 1; minus strand). Cytogenetic location: 9q22.32.
Variant type: single nucleotide variant.
Coding change: c.2930A>G on transcript NM_000264.5 (MANE Select); coding-DNA position 2930, A replaced by G.
Protein change: p.Tyr977Cys; replaces tyrosine 977 with cysteine.
Molecular consequence: missense variant. On other transcripts: non-coding transcript variant (1).
Genome position (GRCh38, 1-based): chr9:95,458,251, T>C on the plus strand (A>G on the coding strand, the complement: PTCH1 is on the minus strand). VCF-style: chr9-95458251-T-C. GRCh37 (hg19) VCF-style: chr9-98220533-T-C.
Other names: c.2732A>G, p.Tyr911Cys (NM_001083602.3); c.2927A>G, p.Tyr976Cys (NM_001083603.3); c.2477A>G, p.Tyr826Cys (NM_001083604.3, NM_001083605.3, NM_001083606.3 and 1 more transcripts); c.2774A>G, p.Tyr925Cys (NM_001354918.2); short protein forms Y826C, Y925C, Y977C, Y976C, Y911C.
Identifiers: ClinVar variation 3597831 (VCV003597831.3).

ClinVar aggregate classification (germline): Uncertain significance. Review status: criteria provided, multiple submitters, no conflicts (2 of 4 stars). 2 submissions from 2 submitters: Uncertain significance (2). Last evaluated 2026-07-29.

Conditions:
Basal cell carcinoma, susceptibility to, 1. Also called: BCC1. Identifiers: MedGen C2751544, MONDO:0011556, OMIM 605462.
Holoprosencephaly 7 (HPE7). Identifiers: Orphanet 2162, MedGen C1835820, MONDO:0012562, OMIM 610828.
Basal cell nevus syndrome 1 (BCNS1). Also called: GORLIN-GOLTZ SYNDROME; MULTIPLE BASAL CELL NEVI, ODONTOGENIC KERATOCYSTS, AND SKELETAL ANOMALIES. Identifiers: MedGen CN376810, MONDO:0958174, OMIM 109400.
Hereditary cancer-predisposing syndrome. Also called: Hereditary neoplastic syndrome; Neoplastic Syndromes, Hereditary; Tumor predisposition; Hereditary Cancer Syndrome. Identifiers: Orphanet 140162, MedGen C0027672, MeSH D009386, MONDO:0015356.

Submissions (2):

Ambry Genetics
Classification: Uncertain significance for Hereditary cancer-predisposing syndrome. Last evaluated: 2026-07-29. Review status: criteria provided, single submitter. Criteria: Ambry Variant Classification Scheme 2023. Collection method: clinical testing. Allele origin: germline.
Comment: The p.Y977C variant (also known as c.2930A>G), located in coding exon 18 of the PTCH1 gene, results from an A to G substitution at nucleotide position 2930. The tyrosine at codon 977 is replaced by cysteine, an amino acid with highly dissimilar properties. This amino acid position is conserved. In addition, this alteration is predicted to be deleterious by in silico analysis. Based on the available evidence, the clinical significance of this variant remains unclear.

Fulgent Genetics
Classification: Uncertain significance for Basal cell nevus syndrome 1; Basal cell carcinoma, susceptibility to, 1; Holoprosencephaly 7. Last evaluated: 2024-01-16. Review status: criteria provided, single submitter. Criteria: ACMG Guidelines, 2015. Collection method: clinical testing. Allele origin: germline.